The following is an entry in ClinVar:

NM_144687.4(NLRP12):c.1321A>G (p.Ser441Gly)

Gene: NLRP12 (NLR family pyrin domain containing 12; minus strand). Cytogenetic location: 19q13.42.
Variant type: single nucleotide variant.
Coding change: c.1321A>G on transcript NM_144687.4 (MANE Select); coding-DNA position 1321, A replaced by G.
Protein change: p.Ser441Gly; replaces serine 441 with glycine.
Molecular consequence: missense variant.
Genome position (GRCh38, 1-based): chr19:53,810,338, T>C on the plus strand (A>G on the coding strand, the complement: NLRP12 is on the minus strand). VCF-style: chr19-53810338-T-C. GRCh37 (hg19) VCF-style: chr19-54313592-T-C.
Other names: c.1321A>G, p.Ser441Gly (NM_001277126.2, NM_001277129.1); short protein forms S441G.
Identifiers: ClinVar variation 2113739 (VCV002113739.4), dbSNP rs2514339858, ClinGen allele CA407413781.
Genomic context (GRCh38, chr19:53,810,338, plus strand): 5'-ACCCTCTCTGGTTGGGTGGGGGCTGGAGGCGCGGGGCCCCCGGCTTGGGTTGCATCAGAC[T>C]CAGCAGGTAGAGCATGTACACTGCAGTGGTGGTCCTGGACGTCTGTCTCAACAGCCCCCC-3'
Protein context (NP_653288.1, residues 431-451): TTAVYMLYLL[Ser441Gly]LMQPKPGAPR

ClinVar aggregate classification (germline): Uncertain significance (1 of 4 stars; one submission).

Conditions:
Familial cold autoinflammatory syndrome 2 (FCAS2). Identifiers: Orphanet 247868, MedGen C2673198, MONDO:0012724, OMIM 611762.

Submission:

Labcorp Genetics (formerly Invitae), Labcorp
Classification: Uncertain significance for Familial cold autoinflammatory syndrome 2. Last evaluated: 2022-03-13. Review status: criteria provided, single submitter. Criteria: Invitae Variant Classification Sherloc (09022015). Collection method: clinical testing. Allele origin: germline.
Comment: This variant is not present in population databases (gnomAD no frequency). This sequence change replaces serine, which is neutral and polar, with glycine, which is neutral and non-polar, at codon 441 of the NLRP12 protein (p.Ser441Gly). This variant has not been reported in the literature in individuals affected with NLRP12-related conditions. In summary, the available evidence is currently insufficient to determine the role of this variant in disease. Therefore, it has been classified as a Variant of Uncertain Significance. Algorithms developed to predict the effect of missense changes on protein structure and function (SIFT, PolyPhen-2, Align-GVGD) all suggest that this variant is likely to be disruptive.